The following is an entry in ClinVar:

ClinVar aggregate classification (germline): Likely benign. Review status: criteria provided, multiple submitters, no conflicts (2 of 4 stars). 6 submissions from 4 submitters: Likely benign (5). 1 of the submissions does not count toward it. Last evaluated 2023-04-11.

Conditions:
Hypertrophic cardiomyopathy. Also called: HYPERTROPHIC MYOCARDIOPATHY. Identifiers: Orphanet 217569, MedGen C0007194, MeSH D002312, MONDO:0005045, HP:0001639.
Dilated cardiomyopathy 1D. Identifiers: Orphanet 154, Orphanet 54260, MedGen C1832243, MONDO:0011095, OMIM 601494.
Cardiomyopathy, familial restrictive, 3. Identifiers: Orphanet 75249, MedGen C2676271, MONDO:0012900, OMIM 612422.
Hypertrophic cardiomyopathy 2. Also called: TNNT2-Related Familial Hypertrophic Cardiomyopathy. Identifiers: MedGen C1861864, MONDO:0007266, OMIM 115195.

gnomAD v4.1: 46 of 1,613,936 alleles (0.0029%); highest among the groups gnomAD compares: Non-Finnish European, 0.0039%; no homozygotes.

Submissions (6):

Genome-Nilou Lab
Classification: Likely benign for Dilated cardiomyopathy 1D. Last evaluated: 2023-04-11. Review status: criteria provided, single submitter. Criteria: ACMG Guidelines, 2015. Collection method: clinical testing. Allele origin: germline. Affected: no.

Genome-Nilou Lab
Classification: Likely benign for Cardiomyopathy, familial restrictive, 3. Last evaluated: 2023-04-11. Review status: criteria provided, single submitter. Criteria: ACMG Guidelines, 2015. Collection method: clinical testing. Allele origin: germline. Affected: no.

Genome-Nilou Lab
Classification: Likely benign for Hypertrophic cardiomyopathy 2. Last evaluated: 2023-04-11. Review status: criteria provided, single submitter. Criteria: ACMG Guidelines, 2015. Collection method: clinical testing. Allele origin: germline. Affected: no.

Labcorp Genetics (formerly Invitae), Labcorp
Classification: Likely benign for Cardiomyopathy, familial restrictive, 3; Hypertrophic cardiomyopathy 2; Dilated cardiomyopathy 1D. Last evaluated: 2022-09-19. Review status: criteria provided, single submitter. Criteria: Invitae Variant Classification Sherloc (09022015). Collection method: clinical testing. Allele origin: germline.

GeneDx
Classification: Likely benign. Last evaluated: 2016-08-29. Review status: criteria provided, single submitter. Criteria: GeneDx Variant Classification (06012015). Collection method: clinical testing. Allele origin: germline. Affected: yes.
Comment: This variant is considered likely benign or benign based on one or more of the following criteria: it is a conservative change, it occurs at a poorly conserved position in the protein, it is predicted to be benign by multiple in silico algorithms, and/or has population frequency not consistent with disease.

Cohesion Phenomics
Classification: Benign for Hypertrophic Cardiomyopathy. Last evaluated: 2022-09-27. Review status: no assertion criteria provided. Criteria: ACMG Guidelines, 2015. Collection method: clinical testing. Allele origin: germline. Affected: yes. Not counted in ClinVar's aggregate classification.

NM_001276345.2(TNNT2):c.163+12G>T

Gene: TNNT2 (troponin T2, cardiac type; minus strand). Cytogenetic location: 1q32.1.
Variant type: single nucleotide variant.
Coding change: c.163+12G>T on transcript NM_001276345.2 (MANE Select); 12 bases into the intron after coding-DNA position 163, G replaced by T.
Molecular consequence: intron variant.
Genome position (GRCh38, 1-based): chr1:201,368,150, C>A on the plus strand (G>T on the coding strand, the complement: TNNT2 is on the minus strand). VCF-style: chr1-201368150-C-A. GRCh37 (hg19) VCF-style: chr1-201337278-C-A.
Other names: c.163+12G>T (NM_000364.4, NM_001276346.2); c.133+12G>T (NM_001276347.2, NM_001001431.3, NM_001001430.3); c.118+12G>T (NM_001001432.3).
Identifiers: ClinVar variation 388703 (VCV000388703.8), dbSNP rs45580032, ClinGen allele CA16603551.